The following is an entry in ClinVar:

ClinVar aggregate classification (germline): Benign. Review status: criteria provided, multiple submitters, no conflicts (2 of 4 stars). 3 submissions from 3 submitters: Benign (3). Last evaluated 2018-08-08.

Conditions:
3 beta-Hydroxysteroid dehydrogenase deficiency. Also called: Congenital adrenal hyperplasia due to 3-beta-hydroxysteroid dehydrogenase deficiency; 3b-hydroxysteroid dehydrogenase deficiency; 3-BETA-HSD DEFICIENCY; ADRENAL HYPERPLASIA II; ADRENAL HYPERPLASIA, CONGENITAL, DUE TO 3-BETA-HYDROXYSTEROID DEHYDROGENASE 2 DEFICIENCY. Identifiers: Orphanet 90791, MedGen C0342471, MeSH C538236, MONDO:0008727, OMIM 201810. Disease mechanism: loss of function.

Allele frequency attached by ClinVar (database versions not stated): gnomAD 0.24341 and 0.24637; TOPMed 0.26355; 1000 Genomes Project 0.31010.

Submissions (3):

GeneDx
Classification: Benign. Last evaluated: 2018-08-08. Review status: criteria provided, single submitter. Criteria: GeneDx Variant Classification Process June 2021. Collection method: clinical testing. Allele origin: germline. Affected: yes.

Illumina Laboratory Services, Illumina
Classification: Benign for 3 beta-Hydroxysteroid dehydrogenase deficiency. Last evaluated: 2018-01-12. Review status: criteria provided, single submitter. Criteria: ICSL Variant Classification Criteria 13 December 2019. Collection method: clinical testing. Allele origin: germline.
Comment: This variant was observed in the ICSL laboratory as part of a predisposition screen in an ostensibly healthy population. It had not been previously curated by ICSL or reported in the Human Gene Mutation Database (HGMD: prior to June 1st, 2018), and was therefore a candidate for classification through an automated scoring system. Utilizing variant allele frequency, disease prevalence and penetrance estimates, and inheritance mode, an automated score was calculated to assess if this variant is too frequent to cause the disease. Based on the score and internal cut-off values, a variant classified as benign is not then subjected to further curation. The score for this variant resulted in a classification of benign for this disease.

Breakthrough Genomics
Classification: Benign. Review status: criteria provided, single submitter. Criteria: ACMG Guidelines, 2015. Collection method: not provided. Allele origin: germline. Inheritance: Autosomal recessive inheritance. Affected: yes.

NM_000198.4(HSD3B2):c.*276C>T

Gene: HSD3B2 (hydroxy-delta-5-steroid dehydrogenase, 3 beta- and steroid delta-isomerase 2; plus strand). Cytogenetic location: 1p12.
Variant type: single nucleotide variant.
Coding change: c.*276C>T on transcript NM_000198.4 (MANE Select); 276 bases downstream of the stop codon, C replaced by T.
Molecular consequence: 3 prime UTR variant.
Genome position (GRCh38, 1-based): chr1:119,422,896, C>T. VCF-style: chr1-119422896-C-T. GRCh37 (hg19) VCF-style: chr1-119965519-C-T.
Other names: c.*276C>T (NM_001166120.2).
Identifiers: ClinVar variation 292274 (VCV000292274.7), dbSNP rs1819698, ClinGen allele CA10607693.
Genomic context (GRCh38, chr1:119,422,896, plus strand): 5'-AAACAATATGATTTGCTGTTACCAAATCTCAGTGGCTGATTCTGAACAATTGTGGTCTCT[C>T]TTAACTTGAGGTTCTCTTTTGACTAATAGAGCTCCATTTCCCCTCTTAAATGAGAAAGCA-3'